The following is an entry in ClinVar:

NM_014845.6(FIG4):c.2043T>G (p.Tyr681Ter)

Gene: FIG4 (FIG4 phosphoinositide 5-phosphatase; plus strand). Cytogenetic location: 6q21.
Variant type: single nucleotide variant.
Coding change: c.2043T>G on transcript NM_014845.6 (MANE Select); coding-DNA position 2043, T replaced by G.
Protein change: p.Tyr681Ter; replaces tyrosine 681 with a stop codon.
Molecular consequence: nonsense.
Genome position (GRCh38, 1-based): chr6:109,786,396, T>G. VCF-style: chr6-109786396-T-G. GRCh37 (hg19) VCF-style: chr6-110107599-T-G.
Other names: short protein forms Y681*.
Identifiers: ClinVar variation 3677716 (VCV003677716.2).

ClinVar aggregate classification (germline): Pathogenic (1 of 4 stars; one submission).

Conditions:
Charcot-Marie-Tooth disease type 4. Also called: Charcot-Marie-Tooth disease, type IV; Charcot-Marie-Tooth, Type 4. Identifiers: Orphanet 64749, MedGen C4082197, MONDO:0018995.

Submission:

Labcorp Genetics (formerly Invitae), Labcorp
Classification: Pathogenic for Charcot-Marie-Tooth disease type 4. Last evaluated: 2024-09-24. Review status: criteria provided, single submitter. Criteria: Invitae Variant Classification Sherloc (09022015). Collection method: clinical testing. Allele origin: germline.
Comment: This sequence change creates a premature translational stop signal (p.Tyr681*) in the FIG4 gene. It is expected to result in an absent or disrupted protein product. Loss-of-function variants in FIG4 are known to be pathogenic (PMID: 23623387, 30740813). This variant is not present in population databases (gnomAD no frequency). This variant has not been reported in the literature in individuals affected with FIG4-related conditions. For these reasons, this variant has been classified as Pathogenic.

Literature cited by the submitters: PubMed 23623387; PubMed 30740813.